The following is an entry in ClinVar:

NC_000011.10:g.47347670del

Gene: MYBPC3 (myosin binding protein C3; minus strand). Cytogenetic location: 11p11.2.
Variant type: Deletion.
Genome position: GRCh38 VCF-style: chr11-47347668-TC-T. GRCh37 (hg19) VCF-style: chr11-47369219-TC-T.
Other names: c.833del, p.Gly278fs (LRG_386t1); c.833delG (NM_000256.3).
Identifiers: ClinVar variation 164140 (VCV000164140.38), dbSNP rs727503212, ClinGen allele CA015921.
Genomic context (GRCh38, chr11:47,347,668, plus strand): 5'-GGGGGTCTGCGGATGGTGCAGGTAGGGCCTGGGGCAGGGGTACCTGATCCGCCGACCACC[TC>T]CAGCCAGGCTCCTGTGGGGGTTAGACTCAGTATCCTCACCTGCCTGGGAAGCTTGCTCTC-3'

ClinVar aggregate classification (germline): Pathogenic/Likely pathogenic. Review status: criteria provided, multiple submitters, no conflicts (2 of 4 stars). 18 submissions from 16 submitters: Pathogenic (15); Likely pathogenic (2). 1 of the submissions does not count toward it. Last evaluated 2026-04-28.

Conditions:
MYBPC3-related disorder. Also called: MYBPC3-related disorders; MYBPC3-related condition; MYBPC3-related disease.
Cardiovascular phenotype. Identifiers: MedGen CN230736.
Hypertrophic cardiomyopathy 4. Also called: Familial hypertrophic cardiomyopathy 4. Identifiers: MedGen C1861862, MONDO:0007268, OMIM 115197.
Left ventricular noncompaction 10 (LVNC10). Identifiers: Orphanet 154, Orphanet 54260, MedGen C3715165, MONDO:0014163, OMIM 615396.
Cardiomyopathy (CMYO). Also called: Cardiomyopathies. Identifiers: Orphanet 167848, MedGen C0878544, MONDO:0004994, HP:0001638. Inheritance: Various modes of inheritance.
Hypertrophic cardiomyopathy. Also called: HYPERTROPHIC MYOCARDIOPATHY. Identifiers: Orphanet 217569, MedGen C0007194, MeSH D002312, MONDO:0005045, HP:0001639.

Submissions 1 to 12 of 18:

Clinical Genomics Laboratory, Washington University in St. Louis
Classification: Pathogenic for Hypertrophic cardiomyopathy 4. Last evaluated: 2026-04-28. Review status: criteria provided, single submitter. Criteria: ACMG Guidelines, 2015. Collection method: clinical testing. Allele origin: germline. Affected: yes.
Comment: The MYBPC3 c.833del (p.Gly278Glufs*22) variant has been reported in multiple individuals affected with hypertrophic cardiomyopathy (Alfares AA et al., PMID: 25611685; Bos JM et al., PMID: 24793961; Hathaway J et al., PMID: 33673806; Walsh R et al., PMID: 27532257; Williams N et al., PMID: 30282064). This variant causes a frameshift by deleting a single nucleotide, leading to a premature termination codon, which is predicted to lead to nonsense mediated decay. This variant is only observed in 2/186,304 alleles in the general population (gnomAD v2.1.1), indicating it is not a common variant. This variant has been reported in the ClinVar database as a germline pathogenic variant by 15 submitters. Based on available information and ClinGen Cardiomyopathy Expert Panel Specifications for MYBPC3 variant classification, this variant is classified as pathogenic.

Labcorp Genetics (formerly Invitae), Labcorp
Classification: Pathogenic for Hypertrophic cardiomyopathy. Last evaluated: 2025-12-09. Review status: criteria provided, single submitter. Criteria: Invitae Variant Classification Sherloc (09022015). Collection method: clinical testing. Allele origin: germline.
Comment: This sequence change creates a premature translational stop signal (p.Gly278Glufs*22) in the MYBPC3 gene. It is expected to result in an absent or disrupted protein product. Loss-of-function variants in MYBPC3 are known to be pathogenic (PMID: 19574547). This variant is present in population databases (rs727503212, gnomAD 0.01%). This premature translational stop signal has been observed in individuals with hypertrophic cardiomyopathy (PMID: 24793961, 27532257). ClinVar contains an entry for this variant (Variation ID: 164140). For these reasons, this variant has been classified as Pathogenic.

Color Diagnostics, LLC DBA Color Health
Classification: Pathogenic for Cardiomyopathy. Last evaluated: 2025-03-17. Review status: criteria provided, single submitter. Criteria: ACMG Guidelines, 2015. Collection method: clinical testing. Allele origin: germline.
Comment: This variant deletes 1 nucleotide in exon 8 of the MYBPC3 gene, creating a frameshift and premature translation stop signal. This variant is expected to result in an absent or non-functional protein product. This variant has been reported in individuals affected with hypertrophic cardiomyopathy (PMID: 24793961, 25611685, 27532257, 30282064, 33673806). One of these individuals was also affected with sudden death attributed to hypertrophic cardiomyopathy (PMID: 30282064). This variant has been identified in 2/186304 chromosomes in the general population by the Genome Aggregation Database (gnomAD). Loss of MYBPC3 function is a known mechanism of disease. Based on the available evidence, this variant is classified as Pathogenic.

ARUP Laboratories, Molecular Genetics and Genomics, ARUP Laboratories
Classification: Pathogenic. Last evaluated: 2024-12-24. Review status: criteria provided, single submitter. Criteria: ARUP Molecular Germline Variant Investigation Process 2024. Collection method: clinical testing. Allele origin: germline.
Comment: The MYBPC3 c.833del; p.Gly278GlufsTer22variant (rs727503212) is reported in the literature in multiple individuals affected with hypertrophic cardiomyopathy (Bos 2014, Gal 2022, Hathaway 2021, Walsh 2017, Williams 2018). This variant is only observed on two chromosomes (2/186,304 alleles) in the Genome Aggregation Database (v2.1.1), indicating it is not a common polymorphism. This variant causes a frameshift by deleting a single nucleotide, so it is predicted to result in a truncated protein or mRNA subject to nonsense-mediated decay. Based on available information, this variant is considered to be pathogenic. References: Bos JM et al. Characterization of a phenotype-based genetic test prediction score for unrelated patients with hypertrophic cardiomyopathy. Mayo Clin Proc. 2014 Jun;89(6):727-37. PMID: 24793961. Gal DB et al. Comprehensive Genetic Testing for Pediatric Hypertrophic Cardiomyopathy Reveals Clinical Management Opportunities and Syndromic Conditions. Pediatr Cardiol. 2022 Mar;43(3):616-623. PMID: 34714385. Hathaway J et al. Diagnostic yield of genetic testing in a heterogeneous cohort of 1376 HCM patients. BMC Cardiovasc Disord. 2021 Mar 5;21(1):126. PMID: 33673806. Walsh R et al. Reassessment of Mendelian gene pathogenicity using 7,855 cardiomyopathy cases and 60,706 reference samples. Genet Med. 2017 Feb;19(2):192-203. PMID: 27532257. Williams N et al. Phenotypic variations in carriers of predicted protein-truncating genetic variants in MYBPC3: an autopsy-based case series. Cardiovasc Pathol. 2018 Nov-Dec;37:30-33. PMID: 30282064.

All of Us Research Program, National Institutes of Health
Classification: Pathogenic for Hypertrophic cardiomyopathy. Last evaluated: 2024-09-23. Review status: criteria provided, single submitter. Criteria: ACMG Guidelines, 2015. Collection method: clinical testing. Allele origin: germline. Inheritance: Autosomal dominant inheritance. Observed: 4 variant alleles, 4 heterozygotes.
Comment: This variant deletes 1 nucleotide in exon 8 of the MYBPC3 gene, creating a frameshift and premature translation stop signal. This variant is expected to result in an absent or non-functional protein product. This variant has been reported in one individual affected with hypertrophic cardiomyopathy (PMID: 30282064) and in one individual affected with sudden cardiac death due to hypertrophic cardiomyopathy (PMID: 34135346). This variant has been identified in 2/186304 chromosomes in the general population by the Genome Aggregation Database (gnomAD). Loss of MYBPC3 function is a known mechanism of disease. Based on the available evidence, this variant is classified as Pathogenic.

This study involves interpretation of variants in research participants for the purpose of population health screening. Participant phenotype was not available at the time of variant classification. Additional details can be found in publication PMID: 35346344, PMCID: PMC8962531

Blueprint Genetics
Classification: Pathogenic for MYBPC3-related disorders. Last evaluated: 2024-09-16. Review status: criteria provided, single submitter. Criteria: ACMG Guidelines, 2015. Collection method: clinical testing. Allele origin: germline. Affected: yes. Observed: 5 variant alleles.

Baylor Genetics
Classification: Pathogenic for Left ventricular noncompaction 10. Last evaluated: 2023-10-12. Review status: criteria provided, single submitter. Criteria: ACMG Guidelines, 2015. Collection method: clinical testing. Allele origin: unknown.

Baylor Genetics
Classification: Pathogenic for Hypertrophic cardiomyopathy 4. Last evaluated: 2023-10-12. Review status: criteria provided, single submitter. Criteria: ACMG Guidelines, 2015. Collection method: clinical testing. Allele origin: unknown.

GeneDx
Classification: Pathogenic. Last evaluated: 2023-09-26. Review status: criteria provided, single submitter. Criteria: GeneDx Variant Classification Process June 2021. Collection method: clinical testing. Allele origin: germline. Affected: yes.
Comment: Not observed at a significant frequency in large population cohorts (gnomAD); Frameshift variant predicted to result in protein truncation or nonsense mediated decay in a gene for which loss-of-function is a known mechanism of disease; This variant is associated with the following publications: (PMID: 24793961, 27532257, 30282064, 31447099, 33673806, 34135346)

Ambry Genetics
Classification: Pathogenic for Cardiovascular phenotype. Last evaluated: 2022-12-29. Review status: criteria provided, single submitter. Criteria: Ambry Variant Classification Scheme 2023. Collection method: clinical testing. Allele origin: germline.
Comment: The c.833delG pathogenic mutation, located in coding exon 8 of the MYBPC3 gene, results from a deletion of one nucleotide at nucleotide position 833, causing a translational frameshift with a predicted alternate stop codon (p.G278Efs*22). This mutation has been reported in an individual with hypertrophic cardiomyopathy (HCM) and in HCM cohorts (Bos JM et al. Mayo Clin. Proc., 2014 Jun;89:727-37; Walsh R et al. Genet. Med., 2017 02;19:192-203). In addition to the clinical data presented in the literature, this alteration is expected to result in loss of function by premature protein truncation or nonsense-mediated mRNA decay. As such, this alteration is interpreted as a disease-causing mutation.

HudsonAlpha Institute for Biotechnology
Classification: Pathogenic for Hypertrophic cardiomyopathy 4. Last evaluated: 2021-10-13. Review status: criteria provided, single submitter. Criteria: ACMG Guidelines, 2015. Collection method: research. Allele origin: paternal. Observed: 1 variant allele. Study: CSER-SouthSeq.
Comment: ACMG codes:PVS1; PS4M; PM2; PP5

CHEO Genetics Diagnostic Laboratory, Children's Hospital of Eastern Ontario
Classification: Likely pathogenic for Cardiomyopathy. Last evaluated: 2020-08-06. Review status: criteria provided, single submitter. Criteria: ACMG Guidelines, 2015. Collection method: clinical testing. Allele origin: germline.